The following is an entry in ClinVar:

NM_001283009.2(RTEL1):c.1364A>C (p.Tyr455Ser)

Genes: RTEL1 (regulator of telomere elongation helicase 1; plus strand), RTEL1-TNFRSF6B (RTEL1-TNFRSF6B readthrough (NMD candidate); plus strand). Cytogenetic location: 20q13.33.
Variant type: single nucleotide variant.
Coding change: c.1364A>C on transcript NM_001283009.2 (MANE Select); coding-DNA position 1364, A replaced by C.
Protein change: p.Tyr455Ser; replaces tyrosine 455 with serine.
Molecular consequence: missense variant. On other transcripts: non-coding transcript variant (1).
Genome position (GRCh38, 1-based): chr20:63,687,653, A>C. VCF-style: chr20-63687653-A-C. GRCh37 (hg19) VCF-style: chr20-62319006-A-C.
Other names: c.695A>C, p.Tyr232Ser (NM_001283010.1); c.1364A>C, p.Tyr455Ser (NM_016434.4); c.1436A>C, p.Tyr479Ser (NM_032957.5); short protein forms Y232S, Y455S, Y479S.
Identifiers: ClinVar variation 3762178 (VCV003762178.3).
Genomic context (GRCh38, chr20:63,687,653, plus strand): 5'-TCCCGTCCTCACACTCTGTGCCCTCTGCCGCCCCCCGCCCCACAGGGAAGGTGCTGAGCT[A>C]CTGGTGCTTCAGTCCCGGCCACAGCATGCACGAGCTGGTCCGCCAGGGCGTCCGCTCCCT-3'
Protein context (NP_001269938.1, residues 445-465): AARKRGKVLS[Tyr455Ser]WCFSPGHSMH

ClinVar aggregate classification (germline): Uncertain significance. Review status: criteria provided, multiple submitters, no conflicts (2 of 4 stars). 2 submissions from 2 submitters: Uncertain significance (2). Last evaluated 2025-03-18.

Conditions:
Dyskeratosis congenita, autosomal recessive 5 (DKCB5). Identifiers: MedGen C3554656, MONDO:0014076, OMIM 615190.
Pulmonary fibrosis and/or bone marrow failure, Telomere-related, 3. Also called: PULMONARY FIBROSIS AND/OR BONE MARROW FAILURE SYNDROME, TELOMERE-RELATED, 3. Identifiers: Orphanet 2032, MedGen C4225346, MONDO:0014613, OMIM 616373.
Inborn genetic diseases. Identifiers: MedGen C0950123, MeSH D030342.

Submissions (2):

Ambry Genetics
Classification: Uncertain significance for Inborn genetic diseases. Last evaluated: 2025-03-18. Review status: criteria provided, single submitter. Criteria: Ambry Variant Classification Scheme 2023. Collection method: clinical testing. Allele origin: germline.
Comment: The p.Y455S variant (also known as c.1364A>C), located in coding exon 16 of the RTEL1 gene, results from an A to C substitution at nucleotide position 1364. The tyrosine at codon 455 is replaced by serine, an amino acid with dissimilar properties. This amino acid position is conserved. In addition, this alteration is predicted to be deleterious by in silico analysis. Based on the available evidence, the clinical significance of this variant remains unclear.

Labcorp Genetics (formerly Invitae), Labcorp
Classification: Uncertain significance for Dyskeratosis congenita, autosomal recessive 5; Pulmonary fibrosis and/or bone marrow failure, Telomere-related, 3. Last evaluated: 2024-08-11. Review status: criteria provided, single submitter. Criteria: Invitae Variant Classification Sherloc (09022015). Collection method: clinical testing. Allele origin: germline.
Comment: This sequence change replaces tyrosine, which is neutral and polar, with serine, which is neutral and polar, at codon 455 of the RTEL1 protein (p.Tyr455Ser). This variant is not present in population databases (gnomAD no frequency). This variant has not been reported in the literature in individuals affected with RTEL1-related conditions. An algorithm developed to predict the effect of missense changes on protein structure and function (PolyPhen-2) suggests that this variant is likely to be disruptive. In summary, the available evidence is currently insufficient to determine the role of this variant in disease. Therefore, it has been classified as a Variant of Uncertain Significance.